The following is an entry in ClinVar:

NM_080605.4(B3GALT6):c.*6C>T

Gene: B3GALT6 (beta-1,3-galactosyltransferase 6; plus strand). Cytogenetic location: 1p36.33.
Variant type: single nucleotide variant.
Coding change: c.*6C>T on transcript NM_080605.4 (MANE Select); 6 bases downstream of the stop codon, C replaced by T.
Molecular consequence: 3 prime UTR variant.
Genome position (GRCh38, 1-based): chr1:1,233,274, C>T. VCF-style: chr1-1233274-C-T. GRCh37 (hg19) VCF-style: chr1-1168654-C-T.
Identifiers: ClinVar variation 4535924 (VCV004535924.2).

ClinVar aggregate classification (germline): Uncertain significance (1 of 4 stars; one submission).

gnomAD v4.1: 71 of 1,442,472 alleles (0.0049%); highest among the groups gnomAD compares: South Asian, 0.041%; 1 homozygote.

Submission:

Women's Health and Genetics/Laboratory Corporation of America, LabCorp
Classification: Uncertain significance. Last evaluated: 2026-03-31. Review status: criteria provided, single submitter. Criteria: LabCorp Variant Classification Summary - May 2015. Collection method: clinical testing. Allele origin: germline.
Comment: Variant summary: B3GALT6 c.*6C>T is located in the untranslated mRNA region downstream of the termination codon. The variant allele was found at a frequency of 5.6e-05 in 53670 control chromosomes. The available data on variant occurrences in the general population are insufficient to allow any conclusion about variant significance. To our knowledge, no occurrence of c.*6C>T in individuals affected with B3GALT6-related conditions and no experimental evidence demonstrating its impact on protein function have been reported. ClinVar contains an entry for this variant (Variation ID: 4535924). Based on the evidence outlined above, the variant was classified as uncertain significance.